The following is an entry in ClinVar:

NM_001042492.3(NF1):c.1669A>G (p.Ser557Gly)

Gene: NF1 (neurofibromin 1; plus strand). Cytogenetic location: 17q11.2.
Variant type: single nucleotide variant.
Coding change: c.1669A>G on transcript NM_001042492.3 (MANE Select); coding-DNA position 1669, A replaced by G.
Protein change: p.Ser557Gly; replaces serine 557 with glycine.
Molecular consequence: missense variant.
Genome position (GRCh38, 1-based): chr17:31,221,877, A>G. VCF-style: chr17-31221877-A-G. GRCh37 (hg19) VCF-style: chr17-29548895-A-G.
Other names: c.1669A>G, p.Ser557Gly (NM_000267.4, NM_001128147.3); short protein forms S557G.
Identifiers: ClinVar variation 1720931 (VCV001720931.5), dbSNP rs2508108499, ClinGen allele CA399002263.

ClinVar aggregate classification (germline): Uncertain significance (1 of 4 stars; one submission).

Conditions:
Neurofibromatosis, type 1 (NF1). Also called: Neurofibromatosis, type I; VON RECKLINGHAUSEN DISEASE; NEUROFIBROMATOSIS, TYPE I, SOMATIC; Peripheral type neurofibromatosis. Identifiers: Orphanet 636, MedGen C0027831, MONDO:0018975, OMIM 162200. Disease mechanism: loss of function.

Submission:

Labcorp Genetics (formerly Invitae), Labcorp
Classification: Uncertain significance for Neurofibromatosis, type 1. Last evaluated: 2022-10-04. Review status: criteria provided, single submitter. Criteria: Invitae Variant Classification Sherloc (09022015). Collection method: clinical testing. Allele origin: germline.
Comment: Advanced modeling of protein sequence and biophysical properties (such as structural, functional, and spatial information, amino acid conservation, physicochemical variation, residue mobility, and thermodynamic stability) performed at Invitae indicates that this missense variant is not expected to disrupt NF1 protein function. This variant has not been reported in the literature in individuals affected with NF1-related conditions. This variant is not present in population databases (gnomAD no frequency). This sequence change replaces serine, which is neutral and polar, with glycine, which is neutral and non-polar, at codon 557 of the NF1 protein (p.Ser557Gly). In summary, the available evidence is currently insufficient to determine the role of this variant in disease. Therefore, it has been classified as a Variant of Uncertain Significance.